The following is an entry in ClinVar:

ClinVar aggregate classification (germline): Uncertain significance. Review status: criteria provided, multiple submitters, no conflicts (2 of 4 stars). 2 submissions from 2 submitters: Uncertain significance (2). Last evaluated 2022-06-20.

Conditions:
Brody myopathy. Also called: BRODY DISEASE. Identifiers: Orphanet 53347, MedGen C1832918, MONDO:0010977, OMIM 601003.

Allele frequency attached by ClinVar (database versions not stated): gnomAD exomes 0.00001 and 0.00003; TOPMed 0.00002; ExAC 0.00003.

Submissions (2):

Labcorp Genetics (formerly Invitae), Labcorp
Classification: Uncertain significance for Brody myopathy. Last evaluated: 2022-06-20. Review status: criteria provided, single submitter. Criteria: Invitae Variant Classification Sherloc (09022015). Collection method: clinical testing. Allele origin: germline.
Comment: This sequence change replaces threonine, which is neutral and polar, with isoleucine, which is neutral and non-polar, at codon 569 of the ATP2A1 protein (p.Thr569Ile). This variant is present in population databases (rs756738795, gnomAD 0.02%). This variant has not been reported in the literature in individuals affected with ATP2A1-related conditions. ClinVar contains an entry for this variant (Variation ID: 384079). Algorithms developed to predict the effect of missense changes on protein structure and function are either unavailable or do not agree on the potential impact of this missense change (SIFT: "Deleterious"; PolyPhen-2: "Benign"; Align-GVGD: "Class C0"). In summary, the available evidence is currently insufficient to determine the role of this variant in disease. Therefore, it has been classified as a Variant of Uncertain Significance.

GeneDx
Classification: Uncertain significance. Last evaluated: 2016-03-04. Review status: criteria provided, single submitter. Criteria: GeneDx Variant Classification (06012015). Collection method: clinical testing. Allele origin: germline. Affected: yes.
Comment: A variant of uncertain significance has been identified in the ATP2A1 gene. The T569I variant has not been published as a pathogenic variant, nor has it been reported as a benign variant to our knowledge. It was not observed in approximately 6,500 individuals of European and African American ancestry in the NHLBI Exome Sequencing Project, indicating it is not a common benign variant in these populations. The T569I variant is a non-conservative amino acid substitution, which is likely to impact secondary protein structure as these residues differ in polarity, charge, size and/or other properties. However, this substitution occurs at a position that is not conserved. In silico analysis is inconsistent in its predictions as to whether or not the variant is damaging to the protein structure/function. Therefore, based on the currently available information, it is unclear whether this variant is a pathogenic variant or a rare benign variant.

NM_004320.6(ATP2A1):c.1706C>T (p.Thr569Ile)

Gene: ATP2A1 (ATPase sarcoplasmic/endoplasmic reticulum Ca2+ transporting 1; plus strand). Cytogenetic location: 16p11.2.
Variant type: single nucleotide variant.
Coding change: c.1706C>T on transcript NM_004320.6 (MANE Select); coding-DNA position 1706, C replaced by T.
Protein change: p.Thr569Ile; replaces threonine 569 with isoleucine.
Molecular consequence: missense variant.
Genome position (GRCh38, 1-based): chr16:28,898,393, C>T. VCF-style: chr16-28898393-C-T. GRCh37 (hg19) VCF-style: chr16-28909714-C-T.
Other names: c.1331C>T, p.Thr444Ile (NM_001286075.2); c.1706C>T, p.Thr569Ile (NM_173201.5); short protein forms T569I, T444I.
Identifiers: ClinVar variation 384079 (VCV000384079.6), dbSNP rs756738795, ClinGen allele CA7987057.